The following is an entry in ClinVar:

ClinVar aggregate classification (germline): Uncertain significance (1 of 4 stars; one submission).

Conditions:
TRPS1-related disorder. Also called: TRPS1-related condition.

Allele frequency attached by ClinVar (database versions not stated): TOPMed 0.00001.

Submission:

PreventionGenetics, part of Exact Sciences
Classification: Uncertain significance for TRPS1-related condition. Last evaluated: 2023-06-06. Review status: criteria provided, single submitter. Criteria: ACMG Guidelines, 2015. Collection method: clinical testing. Allele origin: germline.
Comment: The TRPS1 c.2207C>T variant is predicted to result in the amino acid substitution p.Thr736Ile. To our knowledge, this variant has not been reported in the literature or in a large population database, indicating this variant is rare. At this time, the clinical significance of this variant is uncertain due to the absence of conclusive functional and genetic evidence.

NM_014112.5(TRPS1):c.2207C>T (p.Thr736Ile)

Gene: TRPS1 (transcriptional repressor GATA binding 1; minus strand). Cytogenetic location: 8q23.3.
Variant type: single nucleotide variant.
Coding change: c.2207C>T on transcript NM_014112.5 (MANE Select); coding-DNA position 2207, C replaced by T.
Protein change: p.Thr736Ile; replaces threonine 736 with isoleucine.
Molecular consequence: missense variant.
Genome position (GRCh38, 1-based): chr8:115,587,494, G>A on the plus strand (C>T on the coding strand, the complement: TRPS1 is on the minus strand). VCF-style: chr8-115587494-G-A. GRCh37 (hg19) VCF-style: chr8-116599721-G-A.
Other names: c.2180C>T, p.Thr727Ile (NM_001282902.3); c.2186C>T, p.Thr729Ile (NM_001282903.3); c.2168C>T, p.Thr723Ile (NM_001330599.2); short protein forms T723I, T727I, T729I, T736I.
Identifiers: ClinVar variation 2632272 (VCV002632272.1), dbSNP rs1002558505, ClinGen allele CA184607790.